The following is an entry in ClinVar:

NM_002485.5(NBN):c.37+12A>C

Gene: NBN (nibrin; minus strand). Cytogenetic location: 8q21.3.
Variant type: single nucleotide variant.
Coding change: c.37+12A>C on transcript NM_002485.5 (MANE Select); 12 bases into the intron after coding-DNA position 37, A replaced by C.
Molecular consequence: intron variant.
Genome position (GRCh38, 1-based): chr8:89,984,513, T>G on the plus strand (A>C on the coding strand, the complement: NBN is on the minus strand). VCF-style: chr8-89984513-T-G. GRCh37 (hg19) VCF-style: chr8-90996741-T-G.
Other names: c.-260+12A>C (NM_001024688.3).
Identifiers: ClinVar variation 378231 (VCV000378231.7), dbSNP rs771196279, ClinGen allele CA4803092.

ClinVar aggregate classification (germline): Likely benign. Review status: criteria provided, multiple submitters, no conflicts (2 of 4 stars). 3 submissions from 3 submitters: Likely benign (3). Last evaluated 2024-06-09.

Conditions:
Hereditary cancer-predisposing syndrome. Also called: Hereditary neoplastic syndrome; Tumor predisposition; Neoplastic Syndromes, Hereditary; Hereditary Cancer Syndrome. Identifiers: Orphanet 140162, MedGen C0027672, MeSH D009386, MONDO:0015356.
Microcephaly, normal intelligence and immunodeficiency (NBS). Also called: BERLIN BREAKAGE SYNDROME; SEEMANOVA SYNDROME II; Nijmegen breakage syndrome; IMMUNODEFICIENCY, MICROCEPHALY, AND CHROMOSOMAL INSTABILITY; Immunodeficiency, microcephaly with normal intelligence; Microcephaly with normal intelligence immunodeficiency and lymphoreticular malignancies. Identifiers: Orphanet 647, MedGen C0398791, MONDO:0009623, OMIM 251260.

Allele frequency attached by ClinVar (database versions not stated): gnomAD exomes below 0.00001; ExAC 0.00001.
gnomAD v4.1: 2 of 1,611,928 alleles (0.00012%); highest among the groups gnomAD compares: Non-Finnish European, 0.00017%; no homozygotes.

Submissions (3):

Labcorp Genetics (formerly Invitae), Labcorp
Classification: Likely benign for Microcephaly, normal intelligence and immunodeficiency. Last evaluated: 2024-06-09. Review status: criteria provided, single submitter. Criteria: Invitae Variant Classification Sherloc (09022015). Collection method: clinical testing. Allele origin: germline.

Sema4
Classification: Likely benign for Hereditary cancer-predisposing syndrome. Last evaluated: 2020-09-28. Review status: criteria provided, single submitter. Criteria: Sema4 Curation Guidelines. Collection method: curation. Allele origin: germline.

GeneDx
Classification: Likely benign. Last evaluated: 2016-12-22. Review status: criteria provided, single submitter. Criteria: GeneDx Variant Classification (06012015). Collection method: clinical testing. Allele origin: germline. Affected: yes.
Comment: This variant is considered likely benign or benign based on one or more of the following criteria: it is a conservative change, it occurs at a poorly conserved position in the protein, it is predicted to be benign by multiple in silico algorithms, and/or has population frequency not consistent with disease.